The following is an entry in ClinVar:

ClinVar aggregate classification (germline): Likely pathogenic (1 of 4 stars; one submission).

Submission:

CeGaT Center for Human Genetics Tuebingen
Classification: Likely pathogenic. Last evaluated: 2023-10-01. Review status: criteria provided, single submitter. Criteria: CeGaT Center For Human Genetics Tuebingen Variant Classification Criteria Version 2. Collection method: clinical testing. Allele origin: germline. Affected: yes. Observed: 3 variant alleles.
Comment: ELANE: PM1, PM2, PM5, PS4:Supporting

NM_001972.4(ELANE):c.158A>T (p.His53Leu)

Gene: ELANE (elastase, neutrophil expressed; plus strand). Cytogenetic location: 19p13.3.
Variant type: single nucleotide variant.
Coding change: c.158A>T on transcript NM_001972.4 (MANE Select); coding-DNA position 158, A replaced by T.
Protein change: p.His53Leu; replaces histidine 53 with leucine.
Molecular consequence: missense variant.
Genome position (GRCh38, 1-based): chr19:852,966, A>T. VCF-style: chr19-852966-A-T. GRCh37 (hg19) VCF-style: chr19-852966-A-T.
Other names: short protein forms H53L.
Identifiers: ClinVar variation 2571022 (VCV002571022.27), dbSNP rs2512164539, ClinGen allele CA402914649.